The following is an entry in ClinVar:

ClinVar aggregate classification (germline): Uncertain significance. Review status: criteria provided, multiple submitters, no conflicts (2 of 4 stars). 2 submissions from 2 submitters: Uncertain significance (2). Last evaluated 2025-04-27.

Conditions:
Hereditary cancer-predisposing syndrome. Also called: Tumor predisposition; Hereditary Cancer Syndrome; Hereditary neoplastic syndrome; Neoplastic Syndromes, Hereditary. Identifiers: Orphanet 140162, MedGen C0027672, MeSH D009386, MONDO:0015356.
POLD1-related polyposis and colorectal cancer syndrome (CRCS10). Also called: Colorectal cancer, susceptibility to, 10; Colorectal cancer 10; COLORECTAL CANCER, SUSCEPTIBILITY TO, ON CHROMOSOME 19q. Identifiers: Orphanet 220460, MedGen C2675481, MONDO:0012953, OMIM 612591.

Submissions (2):

Labcorp Genetics (formerly Invitae), Labcorp
Classification: Uncertain significance for POLD1-related polyposis and colorectal cancer syndrome. Last evaluated: 2025-04-27. Review status: criteria provided, single submitter. Criteria: Invitae Variant Classification Sherloc (09022015). Collection method: clinical testing. Allele origin: germline.
Comment: This sequence change replaces aspartic acid, which is acidic and polar, with histidine, which is basic and polar, at codon 987 of the POLD1 protein (p.Asp987His). This variant is not present in population databases (gnomAD no frequency). This variant has not been reported in the literature in individuals affected with POLD1-related conditions. ClinVar contains an entry for this variant (Variation ID: 1351318). Invitae Evidence Modeling of protein sequence and biophysical properties (such as structural, functional, and spatial information, amino acid conservation, physicochemical variation, residue mobility, and thermodynamic stability) indicates that this missense variant is expected to disrupt POLD1 protein function with a positive predictive value of 80%. In summary, the available evidence is currently insufficient to determine the role of this variant in disease. Therefore, it has been classified as a Variant of Uncertain Significance.

Ambry Genetics
Classification: Uncertain significance for Hereditary cancer-predisposing syndrome. Last evaluated: 2024-03-14. Review status: criteria provided, single submitter. Criteria: Ambry Variant Classification Scheme 2023. Collection method: clinical testing. Allele origin: germline.
Comment: The p.D987H variant (also known as c.2959G>C), located in coding exon 23 of the POLD1 gene, results from a G to C substitution at nucleotide position 2959. The aspartic acid at codon 987 is replaced by histidine, an amino acid with similar properties. This amino acid position is conserved. In addition, this alteration is predicted to be tolerated by in silico analysis. Based on the available evidence, the clinical significance of this alteration remains unclear.

NM_002691.4(POLD1):c.2959G>C (p.Asp987His)

Gene: POLD1 (DNA polymerase delta 1, catalytic subunit; plus strand). Cytogenetic location: 19q13.33.
Variant type: single nucleotide variant.
Coding change: c.2959G>C on transcript NM_002691.4 (MANE Select); coding-DNA position 2959, G replaced by C.
Protein change: p.Asp987His; replaces aspartic acid 987 with histidine.
Molecular consequence: missense variant. On other transcripts: non-coding transcript variant (1).
Genome position (GRCh38, 1-based): chr19:50,416,615, G>C. VCF-style: chr19-50416615-G-C. GRCh37 (hg19) VCF-style: chr19-50919872-G-C.
Other names: c.2959G>C, p.Asp987His (NM_001256849.1); c.3037G>C, p.Asp1013His (NM_001308632.1); c.2959G>C (NM_002691.2); short protein forms D1013H, D987H.
Identifiers: ClinVar variation 1351318 (VCV001351318.10), dbSNP rs985679759, ClinGen allele CA406986781.